The following is an entry in ClinVar:

NM_001377.3(DYNC2H1):c.8782A>C (p.Lys2928Gln)

Gene: DYNC2H1 (dynein cytoplasmic 2 heavy chain 1; plus strand). Cytogenetic location: 11q22.3.
Variant type: single nucleotide variant.
Coding change: c.8782A>C on transcript NM_001377.3 (MANE Select); coding-DNA position 8782, A replaced by C.
Protein change: p.Lys2928Gln; replaces lysine 2928 with glutamine.
Molecular consequence: missense variant.
Genome position (GRCh38, 1-based): chr11:103,215,808, A>C. VCF-style: chr11-103215808-A-C. GRCh37 (hg19) VCF-style: chr11-103086537-A-C.
Other names: c.8782A>C, p.Lys2928Gln (NM_001080463.2); short protein forms K2928Q.
Identifiers: ClinVar variation 284313 (VCV000284313.12), dbSNP rs190819700, ClinGen allele CA6254531.

ClinVar aggregate classification (germline): Uncertain significance. Review status: criteria provided, multiple submitters, no conflicts (2 of 4 stars). 5 submissions from 5 submitters: Uncertain significance (5). Last evaluated 2025-04-25.

Conditions:
Inborn genetic diseases. Identifiers: MedGen C0950123, MeSH D030342.
Jeune thoracic dystrophy. Also called: Short-rib thoracic dysplasia; Jeune syndrome; Infantile thoracic dystrophy; Thoracic pelvic phalangeal dystrophy; Jeune's syndrome; Chondroectodermal dysplasia-like syndrome. Identifiers: Orphanet 474, MedGen C0265275, MONDO:0018770.

Allele frequency attached by ClinVar (database versions not stated): gnomAD 0.00008 and 0.00010; TOPMed 0.00012; gnomAD exomes 0.00017 and 0.00023; ExAC 0.00019; 1000 Genomes Project 0.00020; ESP Exome Variant Server 0.00025; 1000 Genomes Project 30x 0.00031.
gnomAD v4.1: 363 of 1,612,752 alleles (0.023%); highest among the groups gnomAD compares: Admixed American, 0.035%; no homozygotes.

Submissions (5):

Ambry Genetics
Classification: Uncertain significance for Inborn genetic diseases. Last evaluated: 2025-04-25. Review status: criteria provided, single submitter. Criteria: Ambry Variant Classification Scheme 2023. Collection method: clinical testing. Allele origin: germline.

Labcorp Genetics (formerly Invitae), Labcorp
Classification: Uncertain significance for Jeune thoracic dystrophy. Last evaluated: 2025-01-25. Review status: criteria provided, single submitter. Criteria: Invitae Variant Classification Sherloc (09022015). Collection method: clinical testing. Allele origin: germline.
Comment: This sequence change replaces lysine, which is basic and polar, with glutamine, which is neutral and polar, at codon 2928 of the DYNC2H1 protein (p.Lys2928Gln). This variant is present in population databases (rs190819700, gnomAD 0.04%). This variant has not been reported in the literature in individuals affected with DYNC2H1-related conditions. ClinVar contains an entry for this variant (Variation ID: 284313). Invitae Evidence Modeling of protein sequence and biophysical properties (such as structural, functional, and spatial information, amino acid conservation, physicochemical variation, residue mobility, and thermodynamic stability) indicates that this missense variant is expected to disrupt DYNC2H1 protein function with a positive predictive value of 95%. In summary, the available evidence is currently insufficient to determine the role of this variant in disease. Therefore, it has been classified as a Variant of Uncertain Significance.

Blueprint Genetics
Classification: Uncertain significance. Last evaluated: 2024-03-12. Review status: criteria provided, single submitter. Criteria: ACMG Guidelines, 2015. Collection method: clinical testing. Allele origin: germline.

GeneDx
Classification: Uncertain significance. Last evaluated: 2018-06-04. Review status: criteria provided, single submitter. Criteria: GeneDx Variant Classification (06012015). Collection method: clinical testing. Allele origin: germline. Affected: yes.
Comment: The K2928Q variant has not been published as a pathogenic variant, nor has it been reported as a benign variant to our knowledge. The K2928Q variant is observed in 15/34134 (0.0439%) alleles from Latino background in large population cohorts (Lek et al., 2016). The K2928Q variant is a semi-conservative amino acid substitution, which may impact secondary protein structure as these residues differ in some properties. In-silico analyses, including protein predictors and evolutionary conservation, support a deleterious effect. In summary, based on the currently available information, it is unclear whether this variant is a pathogenic variant or a rare benign variant.

Eurofins Ntd Llc (ga)
Classification: Uncertain significance. Last evaluated: 2015-11-13. Review status: criteria provided, single submitter. Criteria: EGL Classification Definitions 2015. Collection method: clinical testing. Allele origin: germline. Observed: 1 variant allele, 1 heterozygote.